The following is an entry in ClinVar:

ClinVar aggregate classification (germline): Pathogenic/Likely pathogenic. Review status: criteria provided, multiple submitters, no conflicts (2 of 4 stars). 2 submissions from 2 submitters: Pathogenic (1); Likely pathogenic (1). Last evaluated 2025-09-19.

Conditions:
IFT140-related disorders.
Saldino-Mainzer syndrome (SRTD9). Also called: Renal dysplasia, retinal pigmentary dystrophy, cerebellar ataxia and skeletal dysplasia; SHORT-RIB THORACIC DYSPLASIA 9 WITHOUT POLYDACTYLY; CONORENAL SYNDROME; short-rib thoracic dysplasia 9 with or without polydactyly. Identifiers: Orphanet 140969, MedGen C1849437, MONDO:0009964, OMIM 266920.

Submissions (2):

Labcorp Genetics (formerly Invitae), Labcorp
Classification: Pathogenic for Saldino-Mainzer syndrome. Last evaluated: 2025-09-19. Review status: criteria provided, single submitter. Criteria: Invitae Variant Classification Sherloc (09022015). Collection method: clinical testing. Allele origin: germline.
Comment: This sequence change creates a premature translational stop signal (p.Ser425Glyfs*66) in the IFT140 gene. It is expected to result in an absent or disrupted protein product. Loss-of-function variants in IFT140 are known to be pathogenic (PMID: 22503633, 23418020, 24009529, 26216056). This variant is not present in population databases (gnomAD no frequency). This variant has not been reported in the literature in individuals affected with IFT140-related conditions. ClinVar contains an entry for this variant (Variation ID: 867198). For these reasons, this variant has been classified as Pathogenic.

Blueprint Genetics
Classification: Likely pathogenic for IFT140-related disorders. Last evaluated: 2019-07-18. Review status: criteria provided, single submitter. Criteria: ACMG Guidelines, 2015. Collection method: clinical testing. Allele origin: germline. Affected: yes. Observed: 2 variant alleles.

Literature cited by the submitters: PubMed 22503633 (cited by Labcorp Genetics (formerly Invitae), Labcorp); PubMed 23418020 (cited by Labcorp Genetics (formerly Invitae), Labcorp); PubMed 24009529 (cited by Labcorp Genetics (formerly Invitae), Labcorp); PubMed 26216056 (cited by Labcorp Genetics (formerly Invitae), Labcorp).

NM_014714.4(IFT140):c.1250_1271dup (p.Ser425fs)

Genes: IFT140 (intraflagellar transport 140; minus strand), LOC105371046 (uncharacterized LOC105371046; plus strand). Cytogenetic location: 16p13.3.
Variant type: Duplication.
Coding change: c.1250_1271dup on transcript NM_014714.4 (MANE Select); coding-DNA positions 1250 to 1271, 22 bases duplicated (TGGCCGCCATGCAGGTCTCCCC).
Protein change: p.Ser425fs; shifts the reading frame from serine 425.
Molecular consequence: frameshift variant.
Genome position (GRCh38, 1-based): chr16:1,584,305-1,584,326, GGGGAGACCTGCATGGCGGCCA duplicated on the plus strand (TGGCCGCCATGCAGGTCTCCCC on the coding strand, the reverse complement: IFT140 is on the minus strand). VCF-style (leftmost placement, unchanged base first): chr16-1584304-C-CGGGGAGACCTGCATGGCGGCCA. GRCh37 (hg19) VCF-style: chr16-1634305-C-CGGGGAGACCTGCATGGCGGCCA.
Other names: short protein forms S425fs.
Identifiers: ClinVar variation 867198 (VCV000867198.3), dbSNP rs2034747055, ClinGen allele CA916083472.